The following is an entry in ClinVar:

NM_001378457.1(DMXL2):c.8822G>A (p.Gly2941Asp)

Genes: DMXL2 (Dmx like 2; minus strand), LOC126862131 (MED14-independent group 3 enhancer GRCh37_chr15:51741640-51742839; plus strand). Cytogenetic location: 15q21.2.
Variant type: single nucleotide variant.
Coding change: c.8822G>A on transcript NM_001378457.1 (MANE Select); coding-DNA position 8822, G replaced by A.
Protein change: p.Gly2941Asp; replaces glycine 2941 with aspartic acid.
Molecular consequence: missense variant. On other transcripts: non-coding transcript variant (2).
Genome position (GRCh38, 1-based): chr15:51,450,274, C>T on the plus strand (G>A on the coding strand, the complement: DMXL2 is on the minus strand). VCF-style: chr15-51450274-C-T. GRCh37 (hg19) VCF-style: chr15-51742471-C-T.
Other names: c.8759G>A, p.Gly2920Asp (NM_001174116.3); c.6848G>A, p.Gly2283Asp (NM_001174117.3); c.8819G>A, p.Gly2940Asp (NM_001378458.1); c.8534G>A, p.Gly2845Asp (NM_001378459.1); c.6737G>A, p.Gly2246Asp (NM_001378460.1); c.8756G>A, p.Gly2919Asp (NM_015263.5); short protein forms G2246D, G2940D, G2941D, G2283D, G2845D, G2919D, G2920D.
Identifiers: ClinVar variation 1927818 (VCV001927818.2), dbSNP rs2542930347, ClinGen allele CA392429776.

ClinVar aggregate classification (germline): Uncertain significance (1 of 4 stars; one submission).

Submission:

Labcorp Genetics (formerly Invitae), Labcorp
Classification: Uncertain significance. Last evaluated: 2021-12-22. Review status: criteria provided, single submitter. Criteria: Invitae Variant Classification Sherloc (09022015). Collection method: clinical testing. Allele origin: germline.
Comment: This sequence change replaces glycine, which is neutral and non-polar, with aspartic acid, which is acidic and polar, at codon 2920 of the DMXL2 protein (p.Gly2920Asp). This variant is not present in population databases (gnomAD no frequency). This variant has not been reported in the literature in individuals affected with DMXL2-related conditions. Algorithms developed to predict the effect of missense changes on protein structure and function are either unavailable or do not agree on the potential impact of this missense change (SIFT: "Deleterious"; PolyPhen-2: "Probably Damaging"; Align-GVGD: "Class C0"). In summary, the available evidence is currently insufficient to determine the role of this variant in disease. Therefore, it has been classified as a Variant of Uncertain Significance.